The following is an entry in ClinVar:

NM_018834.6(MATR3):c.898G>A (p.Val300Ile)

Gene: MATR3 (matrin 3; plus strand). Cytogenetic location: 5q31.2.
Variant type: single nucleotide variant.
Coding change: c.898G>A on transcript NM_018834.6 (MANE Select); coding-DNA position 898, G replaced by A.
Protein change: p.Val300Ile; replaces valine 300 with isoleucine.
Molecular consequence: missense variant. On other transcripts: intron variant (2).
Genome position (GRCh38, 1-based): chr5:139,308,313, G>A. VCF-style: chr5-139308313-G-A. GRCh37 (hg19) VCF-style: chr5-138644002-G-A.
Other names: c.898G>A, p.Val300Ile (NM_001194954.2, NM_001194955.2, NM_199189.3); c.-102-6362G>A (NM_001282278.2); c.49-6362G>A (NM_001194956.2); short protein forms V300I.
Identifiers: ClinVar variation 1484225 (VCV001484225.8), dbSNP rs1307308858, ClinGen allele CA361488324.

ClinVar aggregate classification (germline): Uncertain significance (1 of 4 stars; one submission).

Conditions:
Amyotrophic lateral sclerosis type 21. Also called: VOCAL CORD AND PHARYNGEAL DYSFUNCTION WITH DISTAL MYOPATHY; MYOPATHY, DISTAL, 2. Identifiers: Orphanet 600, Orphanet 803, MedGen C3807521, MONDO:0011632, OMIM 606070.

Allele frequency attached by ClinVar (database versions not stated): gnomAD 0.00001.
gnomAD v4.1: 1 of 1,613,998 alleles (0.000062%); highest among the groups gnomAD compares: Non-Finnish European, 0.000085%; no homozygotes.

Submission:

Labcorp Genetics (formerly Invitae), Labcorp
Classification: Uncertain significance for Amyotrophic lateral sclerosis type 21. Last evaluated: 2022-07-06. Review status: criteria provided, single submitter. Criteria: Invitae Variant Classification Sherloc (09022015). Collection method: clinical testing. Allele origin: germline.
Comment: This variant is present in population databases (no rsID available, gnomAD 0.007%). This variant has not been reported in the literature in individuals affected with MATR3-related conditions. ClinVar contains an entry for this variant (Variation ID: 1484225). Algorithms developed to predict the effect of missense changes on protein structure and function are either unavailable or do not agree on the potential impact of this missense change (SIFT: "Deleterious"; PolyPhen-2: "Benign"; Align-GVGD: "Class C25"). In summary, the available evidence is currently insufficient to determine the role of this variant in disease. Therefore, it has been classified as a Variant of Uncertain Significance. This sequence change replaces valine, which is neutral and non-polar, with isoleucine, which is neutral and non-polar, at codon 300 of the MATR3 protein (p.Val300Ile).